The following is an entry in ClinVar:

NM_013432.5(TONSL):c.2545C>T (p.Arg849Cys)

Genes: TONSL (tonsoku like, DNA repair protein; minus strand), TONSL-AS1 (TONSL antisense RNA 1; plus strand). Cytogenetic location: 8q24.3.
Variant type: single nucleotide variant.
Coding change: c.2545C>T on transcript NM_013432.5 (MANE Select); coding-DNA position 2545, C replaced by T.
Protein change: p.Arg849Cys; replaces arginine 849 with cysteine.
Molecular consequence: missense variant.
Genome position (GRCh38, 1-based): chr8:144,435,888, G>A on the plus strand (C>T on the coding strand, the complement: TONSL is on the minus strand). VCF-style: chr8-144435888-G-A. GRCh37 (hg19) VCF-style: chr8-145661271-G-A.
Other names: short protein forms R849C.
Identifiers: ClinVar variation 1470850 (VCV001470850.7), dbSNP rs371172887, ClinGen allele CA4942789.

ClinVar aggregate classification (germline): Uncertain significance (1 of 4 stars; one submission).

Allele frequency attached by ClinVar (database versions not stated): gnomAD 0.00003 and 0.00001; gnomAD exomes 0.00004; ExAC 0.00007; ESP Exome Variant Server 0.00008; 1000 Genomes Project 0.00040; 1000 Genomes Project 30x 0.00062.
gnomAD v4.1: 23 of 1,598,574 alleles (0.0014%); highest among the groups gnomAD compares: East Asian, 0.02%; no homozygotes.

Submission:

Labcorp Genetics (formerly Invitae), Labcorp
Classification: Uncertain significance. Last evaluated: 2025-02-06. Review status: criteria provided, single submitter. Criteria: Invitae Variant Classification Sherloc (09022015). Collection method: clinical testing. Allele origin: germline.
Comment: This sequence change replaces arginine, which is basic and polar, with cysteine, which is neutral and slightly polar, at codon 849 of the TONSL protein (p.Arg849Cys). This variant is present in population databases (rs371172887, gnomAD 0.03%). This variant has not been reported in the literature in individuals affected with TONSL-related conditions. ClinVar contains an entry for this variant (Variation ID: 1470850). Invitae Evidence Modeling of protein sequence and biophysical properties (such as structural, functional, and spatial information, amino acid conservation, physicochemical variation, residue mobility, and thermodynamic stability) indicates that this missense variant is not expected to disrupt TONSL protein function with a negative predictive value of 80%. In summary, the available evidence is currently insufficient to determine the role of this variant in disease. Therefore, it has been classified as a Variant of Uncertain Significance.